The following is an entry in ClinVar:

ClinVar aggregate classification (germline): Uncertain significance. Review status: reviewed by expert panel (3 of 4 stars). 3 submissions from 3 submitters: Uncertain significance (1). 2 of the submissions do not count toward it. Last evaluated 2025-01-15.

Conditions:
Hereditary thrombocytopenia and hematological cancer predisposition syndrome associated with RUNX1. Also called: Familial Platelet Disorder with Propensity to Acute Myelogenous Leukemia; Familial thrombocytopenia with propensity to acute myelogenous leukemia; PLATELET DISORDER, ASPIRIN-LIKE; RUNX1 Familial Platelet Disorder with Associated Myeloid Malignancies. Identifiers: Orphanet 71290, MedGen C1832388, MeSH C563324, MONDO:0100083, OMIM 601399.
Hereditary thrombocytopenia and hematologic cancer predisposition syndrome. Identifiers: Orphanet 71290, MedGen CN281654, MONDO:0011071.

Allele frequency attached by ClinVar (database versions not stated): gnomAD exomes below 0.00001.
gnomAD v4.1: 1 of 1,613,894 alleles (0.000062%); highest among the groups gnomAD compares: Non-Finnish European, 0.000085%; no homozygotes.

Submissions (3):

ClinGen Myeloid Malignancy Variant Curation Expert Panel
Classification: Uncertain significance for Hereditary thrombocytopenia and hematologic cancer predisposition syndrome. Last evaluated: 2025-01-15. Review status: reviewed by expert panel. Criteria: ClinGen MyeloMalig ACMG Specifications v2. Collection method: curation. Allele origin: germline. Inheritance: Autosomal dominant inheritance.
Comment: NM_001754.5(RUNX1):c.26C>A (p.Ser9Ter) is a nonsense variant in an exon that is absent from RUNX1 isoform a and b (c.1-c.97 as per VCEP specifications) (PVS1_NA). This variant is completely absent from all population databases with at least 20x coverage for RUNX1 (PM2_Supporting). In summary, the clinical significance of this variant is uncertain. ACMG/AMP criteria applied, as specified by the Myeloid Malignancy Variant Curation Expert Panel for RUNX1: PM2_supporting.

GeneDx
Classification: Uncertain significance. Last evaluated: 2024-04-24. Review status: criteria provided, single submitter. Criteria: GeneDx Variant Classification Process June 2021. Collection method: clinical testing. Allele origin: germline. Affected: yes. Not counted in ClinVar's aggregate classification.
Comment: Nonsense variant predicted to result in protein truncation; however a downstream in-frame Methionine residue could serve as an alternate initiator codon which, if utilized, may result in a functional protein; Not observed at significant frequency in large population cohorts (gnomAD); Has not been previously published as pathogenic or benign to our knowledge

Labcorp Genetics (formerly Invitae), Labcorp
Classification: Uncertain significance for Hereditary thrombocytopenia and hematological cancer predisposition syndrome associated with RUNX1. Last evaluated: 2023-09-17. Review status: criteria provided, single submitter. Criteria: Invitae Variant Classification Sherloc (09022015). Collection method: clinical testing. Allele origin: germline. Not counted in ClinVar's aggregate classification.
Comment: This variant is not present in population databases (gnomAD no frequency). In summary, the available evidence is currently insufficient to determine the role of this variant in disease. Therefore, it has been classified as a Variant of Uncertain Significance. This variant has not been reported in the literature in individuals affected with RUNX1-related conditions. This sequence change creates a premature translational stop signal (p.Ser9*) in the RUNX1 gene. However, it is currently unclear if variants that occur in this region of the gene cause disease.

NM_001754.5(RUNX1):c.26C>A (p.Ser9Ter)

Gene: RUNX1 (RUNX family transcription factor 1; minus strand). Cytogenetic location: 21q22.12.
Variant type: single nucleotide variant.
Coding change: c.26C>A on transcript NM_001754.5 (MANE Select); coding-DNA position 26, C replaced by A.
Protein change: p.Ser9Ter; replaces serine 9 with a stop codon.
Molecular consequence: nonsense.
Genome position (GRCh38, 1-based): chr21:35,048,874, G>T on the plus strand (C>A on the coding strand, the complement: RUNX1 is on the minus strand). VCF-style: chr21-35048874-G-T. GRCh37 (hg19) VCF-style: chr21-36421171-G-T.
Other names: NM_001754.5(RUNX1):c.26C>A; p.Ser9Ter; short protein forms S9*.
Identifiers: ClinVar variation 2715219 (VCV002715219.6), dbSNP rs2147041888, ClinGen allele CA410208257.